The following is an entry in ClinVar:

ClinVar aggregate classification (germline): Uncertain significance (1 of 4 stars; one submission).

Allele frequency attached by ClinVar (database versions not stated): ExAC 0.00001; gnomAD exomes 0.00001.
gnomAD v4.1: 4 of 1,607,154 alleles (0.00025%); highest among the groups gnomAD compares: South Asian, 0.0011%; no homozygotes.

Submission:

Labcorp Genetics (formerly Invitae), Labcorp
Classification: Uncertain significance. Last evaluated: 2023-09-22. Review status: criteria provided, single submitter. Criteria: Invitae Variant Classification Sherloc (09022015). Collection method: clinical testing. Allele origin: germline.
Comment: This sequence change replaces asparagine, which is neutral and polar, with serine, which is neutral and polar, at codon 253 of the GATAD2B protein (p.Asn253Ser). This variant is present in population databases (rs761086847, gnomAD 0.0009%). This variant has not been reported in the literature in individuals affected with GATAD2B-related conditions. Advanced modeling of protein sequence and biophysical properties (such as structural, functional, and spatial information, amino acid conservation, physicochemical variation, residue mobility, and thermodynamic stability) performed at Invitae indicates that this missense variant is not expected to disrupt GATAD2B protein function. In summary, the available evidence is currently insufficient to determine the role of this variant in disease. Therefore, it has been classified as a Variant of Uncertain Significance.

NM_020699.4(GATAD2B):c.758A>G (p.Asn253Ser)

Gene: GATAD2B (GATA zinc finger domain containing 2B; minus strand). Cytogenetic location: 1q21.3.
Variant type: single nucleotide variant.
Coding change: c.758A>G on transcript NM_020699.4 (MANE Select); coding-DNA position 758, A replaced by G.
Protein change: p.Asn253Ser; replaces asparagine 253 with serine.
Molecular consequence: missense variant.
Genome position (GRCh38, 1-based): chr1:153,817,514, T>C on the plus strand (A>G on the coding strand, the complement: GATAD2B is on the minus strand). VCF-style: chr1-153817514-T-C. GRCh37 (hg19) VCF-style: chr1-153789990-T-C.
Other names: short protein forms N253S.
Identifiers: ClinVar variation 2779832 (VCV002779832.3), dbSNP rs761086847, ClinGen allele CA1120773.